The following is an entry in ClinVar:

NM_147191.1(MMP21):c.793C>G (p.His265Asp)

Gene: MMP21 (matrix metallopeptidase 21; minus strand). Cytogenetic location: 10q26.2.
Variant type: single nucleotide variant.
Coding change: c.793C>G on transcript NM_147191.1 (MANE Select); coding-DNA position 793, C replaced by G.
Protein change: p.His265Asp; replaces histidine 265 with aspartic acid.
Molecular consequence: missense variant.
Genome position (GRCh38, 1-based): chr10:125,772,655, G>C on the plus strand (C>G on the coding strand, the complement: MMP21 is on the minus strand). VCF-style: chr10-125772655-G-C. GRCh37 (hg19) VCF-style: chr10-127461224-G-C.
Other names: short protein forms H265D.
Identifiers: ClinVar variation 1806533 (VCV001806533.1), dbSNP rs1850462875, ClinGen allele CA378680724.

ClinVar aggregate classification (germline): Uncertain significance (1 of 4 stars; one submission).

Allele frequency attached by ClinVar (database versions not stated): gnomAD exomes below 0.00001; TOPMed below 0.00001.
gnomAD v4.1: 1 of 1,614,212 alleles (0.000062%); highest among the groups gnomAD compares: Non-Finnish European, 0.000085%; no homozygotes.

Submission:

GeneDx
Classification: Uncertain significance. Last evaluated: 2022-06-23. Review status: criteria provided, single submitter. Criteria: GeneDx Variant Classification Process June 2021. Collection method: clinical testing. Allele origin: germline. Affected: yes.
Comment: Not observed at significant frequency in large population cohorts (gnomAD); In silico analysis supports that this missense variant has a deleterious effect on protein structure/function; Has not been previously published as pathogenic or benign to our knowledge